The following is an entry in ClinVar:

ClinVar aggregate classification (germline): Conflicting classifications of pathogenicity. Review status: criteria provided, conflicting classifications (1 of 4 stars). 6 submissions from 6 submitters: Uncertain significance (5); Likely benign (1). Last evaluated 2025-12-24.

Conditions:
Familial thoracic aortic aneurysm and aortic dissection (TAAD). Also called: Thoracic aortic aneurysms and dissections. Identifiers: Orphanet 91387, MedGen C4707243, MONDO:0019625.
Aneurysm-osteoarthritis syndrome. Also called: ANEURYSMS-OSTEOARTHRITIS SYNDROME; SMAD3-Related Loeys-Dietz Syndrome; LOEYS-DIETZ SYNDROME WITH OSTEOARTHRITIS; Loeys-Dietz syndrome, type 1C. Identifiers: Orphanet 284984, MedGen C3151087, MONDO:0013426, OMIM 613795.

Allele frequency attached by ClinVar (database versions not stated): gnomAD 0.00001; gnomAD exomes 0.00001 and 0.00002; ExAC 0.00002; TOPMed 0.00002; ESP Exome Variant Server 0.00008.
gnomAD v4.1: 18 of 1,614,082 alleles (0.0011%); highest among the groups gnomAD compares: South Asian, 0.0055%; no homozygotes.

Submissions (6):

Labcorp Genetics (formerly Invitae), Labcorp
Classification: Uncertain significance for Familial thoracic aortic aneurysm and aortic dissection. Last evaluated: 2025-12-24. Review status: criteria provided, single submitter. Criteria: Invitae Variant Classification Sherloc (09022015). Collection method: clinical testing. Allele origin: germline.
Comment: This sequence change replaces asparagine, which is neutral and polar, with serine, which is neutral and polar, at codon 114 of the SMAD3 protein (p.Asn114Ser). This variant is present in population databases (rs369221296, gnomAD 0.01%). This variant has not been reported in the literature in individuals affected with SMAD3-related conditions. ClinVar contains an entry for this variant (Variation ID: 316860). Invitae Evidence Modeling of protein sequence and biophysical properties (such as structural, functional, and spatial information, amino acid conservation, physicochemical variation, residue mobility, and thermodynamic stability) indicates that this missense variant is not expected to disrupt SMAD3 protein function with a negative predictive value of 80%. In summary, the available evidence is currently insufficient to determine the role of this variant in disease. Therefore, it has been classified as a Variant of Uncertain Significance.

Molecular Diagnostic Laboratory for Inherited Cardiovascular Disease, Montreal Heart Institute
Classification: Likely benign. Last evaluated: 2025-04-09. Review status: criteria provided, single submitter. Criteria: ACMG Guidelines, 2015. Collection method: clinical testing. Allele origin: germline. Affected: no.
Comment: BS1;BP4

GeneDx
Classification: Uncertain significance. Last evaluated: 2024-12-04. Review status: criteria provided, single submitter. Criteria: GeneDx Variant Classification Process June 2021. Collection method: clinical testing. Allele origin: germline. Affected: yes.
Comment: Not observed at significant frequency in large population cohorts (gnomAD); In silico analysis indicates that this missense variant does not alter protein structure/function; Has not been previously published as pathogenic or benign to our knowledge

Color Diagnostics, LLC DBA Color Health
Classification: Uncertain significance for Familial thoracic aortic aneurysm and aortic dissection. Last evaluated: 2024-04-17. Review status: criteria provided, single submitter. Criteria: ACMG Guidelines, 2015. Collection method: clinical testing. Allele origin: germline.
Comment: This missense variant replaces asparagine with serine at codon 114 of the SMAD3 protein. Computational prediction tools indicate that this variant has a neutral impact on protein structure and function. To our knowledge, functional studies have not been reported for this variant. This variant has not been reported in individuals affected with SMAD3-related disorders in the literature. This variant has been identified in 5/251456 chromosomes in the general population by the Genome Aggregation Database (gnomAD). The available evidence is insufficient to determine the role of this variant in disease conclusively. Therefore, this variant is classified as a Variant of Uncertain Significance.

All of Us Research Program, National Institutes of Health
Classification: Uncertain significance for Aneurysm-osteoarthritis syndrome. Last evaluated: 2023-11-30. Review status: criteria provided, single submitter. Criteria: ACMG Guidelines, 2015. Collection method: clinical testing. Allele origin: germline. Inheritance: Autosomal dominant inheritance. Observed: 3 variant alleles, 3 heterozygotes.
Comment: Variant of Uncertain Significance due to insufficient evidence: This missense variant is located in the MH1 DNA binding domain of the SMAD3 protein. Computational prediction tools and conservation analyses are inconclusive regarding the impact of this variant on the protein function. Computational splicing tools suggest that this variant may not impact RNA splicing. To our knowledge, functional assays have not been performed for this variant nor has this variant been reported in individuals affected with cardiovascular disorders in the literature. This variant has been identified in 5/246236 chromosomes in the general population by the Genome Aggregation Database (gnomAD). Available evidence is insufficient to determine the role of this variant in disease conclusively.

This study involves interpretation of variants in research participants for the purpose of population health screening. Participant phenotype was not available at the time of variant classification. Additional details can be found in publication PMID: 35346344, PMCID: PMC8962531

CeGaT Center for Human Genetics Tuebingen
Classification: Uncertain significance. Last evaluated: 2022-04-01. Review status: criteria provided, single submitter. Criteria: CeGaT Center For Human Genetics Tuebingen Variant Classification Criteria Version 2. Collection method: clinical testing. Allele origin: germline. Affected: yes. Observed: 1 variant allele.
Comment: SMAD3: PP2

NM_005902.4(SMAD3):c.341A>G (p.Asn114Ser)

Gene: SMAD3 (SMAD family member 3; plus strand). Cytogenetic location: 15q22.33.
Variant type: single nucleotide variant.
Coding change: c.341A>G on transcript NM_005902.4 (MANE Select); coding-DNA position 341, A replaced by G.
Protein change: p.Asn114Ser; replaces asparagine 114 with serine.
Molecular consequence: missense variant.
Genome position (GRCh38, 1-based): chr15:67,165,029, A>G. VCF-style: chr15-67165029-A-G. GRCh37 (hg19) VCF-style: chr15-67457367-A-G.
Other names: c.26A>G, p.Asn9Ser (NM_001145102.2); c.209A>G, p.Asn70Ser (NM_001145103.2); short protein forms N114S, N70S, N9S.
Identifiers: ClinVar variation 316860 (VCV000316860.38), dbSNP rs369221296, ClinGen allele CA062138.